The following is an entry in ClinVar:

ClinVar aggregate classification (germline): Benign/Likely benign. Review status: criteria provided, multiple submitters, no conflicts (2 of 4 stars). 2 submissions from 2 submitters: Benign (1); Likely benign (1). Last evaluated 2025-10-01.

Allele frequency attached by ClinVar (database versions not stated): gnomAD 0.00001 and 0.00003; TOPMed 0.00001; gnomAD exomes 0.00002 and 0.00004; ExAC 0.00005; 1000 Genomes Project 30x 0.00042; 1000 Genomes Project 0.00053.
gnomAD v4.1: 29 of 1,210,187 alleles (0.0024%); highest among the groups gnomAD compares: South Asian, 0.0053%; no homozygotes.

Submissions (2):

CeGaT Center for Human Genetics Tuebingen
Classification: Likely benign. Last evaluated: 2025-10-01. Review status: criteria provided, single submitter. Criteria: CeGaT Center For Human Genetics Tuebingen Variant Classification Criteria Version 2. Collection method: clinical testing. Allele origin: germline. Affected: yes. Observed: 1 variant allele.
Comment: NLGN4X: BP4, BS2

Labcorp Genetics (formerly Invitae), Labcorp
Classification: Benign. Last evaluated: 2023-10-07. Review status: criteria provided, single submitter. Criteria: Invitae Variant Classification Sherloc (09022015). Collection method: clinical testing. Allele origin: germline.

NM_181332.3(NLGN4X):c.1601+4C>T

Gene: NLGN4X (neuroligin 4 X-linked; minus strand). Cytogenetic location: Xp22.32.
Variant type: single nucleotide variant.
Coding change: c.1601+4C>T on transcript NM_181332.3 (MANE Select); 4 bases into the intron after coding-DNA position 1601, C replaced by T.
Molecular consequence: intron variant.
Genome position (GRCh38, 1-based): chrX:5,903,073, G>A on the plus strand (C>T on the coding strand, the complement: NLGN4X is on the minus strand). VCF-style: chrX-5903073-G-A. GRCh37 (hg19) VCF-style: chrX-5821114-G-A.
Other names: c.1601+4C>T (NM_001282145.2, NM_020742.4, NM_001282146.2).
Identifiers: ClinVar variation 1018892 (VCV001018892.9), dbSNP rs183715647, ClinGen allele CA10340995.